The following is an entry in ClinVar:

NM_002204.4(ITGA3):c.1113A>T (p.Leu371Phe)

Gene: ITGA3 (integrin subunit alpha 3; plus strand). Cytogenetic location: 17q21.33.
Variant type: single nucleotide variant.
Coding change: c.1113A>T on transcript NM_002204.4 (MANE Select); coding-DNA position 1113, A replaced by T.
Protein change: p.Leu371Phe; replaces leucine 371 with phenylalanine.
Molecular consequence: missense variant.
Genome position (GRCh38, 1-based): chr17:50,072,139, A>T. VCF-style: chr17-50072139-A-T. GRCh37 (hg19) VCF-style: chr17-48149503-A-T.
Other names: p.Leu371Phe; short protein forms L371F.
Identifiers: ClinVar variation 783785 (VCV000783785.18), dbSNP rs61730085, ClinGen allele CA8641417.

ClinVar aggregate classification (germline): Benign/Likely benign. Review status: criteria provided, multiple submitters, no conflicts (2 of 4 stars). 4 submissions from 4 submitters: Benign (2); Likely benign (2). Last evaluated 2026-01-27.

Allele frequency attached by ClinVar (database versions not stated): gnomAD exomes 0.00160 and 0.00391; ExAC 0.00482; 1000 Genomes Project 0.01338; 1000 Genomes Project 30x 0.01374; gnomAD 0.01452 and 0.01568; ESP Exome Variant Server 0.01622; TOPMed 0.01676.
gnomAD v4.1: 4,650 of 1,613,852 alleles (0.29%); highest among the groups gnomAD compares: African/African-American, 5.1%; 97 homozygotes.

Submissions (6):

Labcorp Genetics (formerly Invitae), Labcorp
Classification: Benign. Last evaluated: 2026-01-27. Review status: criteria provided, single submitter. Criteria: Invitae Variant Classification Sherloc (09022015). Collection method: clinical testing. Allele origin: germline.

GeneDx
Classification: Likely benign. Last evaluated: 2025-06-24. Review status: criteria provided, single submitter. Criteria: GeneDx Variant Classification Process June 2021. Collection method: clinical testing. Allele origin: germline. Affected: yes.
Comment: See Variant Classification Assertion Criteria.

Mayo Clinic Laboratories, Mayo Clinic
Classification: Benign. Last evaluated: 2023-04-03. Review status: criteria provided, single submitter. Criteria: ACMG Guidelines, 2015. Collection method: clinical testing. Allele origin: germline. Observed: 4 variant alleles.

Breakthrough Genomics
Classification: Likely benign. Review status: criteria provided, single submitter. Criteria: ACMG Guidelines, 2015. Collection method: not provided. Allele origin: germline. Inheritance: Autosomal recessive inheritance. Affected: yes.

Dr. Peter K. Rogan Lab, Western University
No classification provided (evidence only). Condition: Clear cell carcinoma of kidney. Review status: no classification provided. Collection method: in vitro. Allele origin: not applicable. Functional consequence: retained intron. Not counted in ClinVar's aggregate classification.

Dr. Peter K. Rogan Lab, Western University
No classification provided (evidence only). Condition: Cervical cancer. Review status: no classification provided. Collection method: in vitro. Allele origin: not applicable. Functional consequence: skipped exon. Not counted in ClinVar's aggregate classification.